The following is an entry in ClinVar:

NM_006206.6(PDGFRA):c.2332G>T (p.Val778Phe)

Gene: PDGFRA (platelet derived growth factor receptor alpha; plus strand). Cytogenetic location: 4q12.
Variant type: single nucleotide variant.
Coding change: c.2332G>T on transcript NM_006206.6 (MANE Select); coding-DNA position 2332, G replaced by T.
Protein change: p.Val778Phe; replaces valine 778 with phenylalanine.
Molecular consequence: missense variant.
Genome position (GRCh38, 1-based): chr4:54,285,379, G>T. VCF-style: chr4-54285379-G-T. GRCh37 (hg19) VCF-style: chr4-55151546-G-T.
Other names: c.2407G>T, p.Val803Phe (NM_001347828.2); c.2332G>T, p.Val778Phe (NM_001347829.2); c.2371G>T, p.Val791Phe (NM_001347830.2); short protein forms V778F, V791F, V803F.
Identifiers: ClinVar variation 851442 (VCV000851442.11), dbSNP rs200808048, ClinGen allele CA356894596.
Genomic context (GRCh38, chr4:54,285,379, plus strand): 5'-GATGATTTCCTGCTGCCTGCCAGCACCAATACATTTAATTTCTTTTCTGCAGACTCAGAA[G>T]TCAAAAACCTCCTTTCAGATGATAACTCAGAAGGCCTTACTTTATTGGATTTGTTGAGCT-3'
Protein context (NP_006197.1, residues 768-788): YKKKSMLDSE[Val778Phe]KNLLSDDNSE

ClinVar aggregate classification (germline): Uncertain significance. Review status: criteria provided, multiple submitters, no conflicts (2 of 4 stars). 2 submissions from 2 submitters: Uncertain significance (2). Last evaluated 2025-06-24.

Conditions:
Hereditary cancer-predisposing syndrome. Also called: Neoplastic Syndromes, Hereditary; Tumor predisposition; Hereditary Cancer Syndrome; Hereditary neoplastic syndrome. Identifiers: Orphanet 140162, MedGen C0027672, MeSH D009386, MONDO:0015356.
Gastrointestinal stromal tumor. Also called: Gastrointestinal stromal tumor, somatic; Gastrointestinal stroma tumor. Identifiers: Orphanet 44890, MedGen C0238198, MeSH D046152, MONDO:0011719, OMIM 606764, HP:0100723.

Allele frequency attached by ClinVar (database versions not stated): gnomAD 0.00001; TOPMed 0.00002.

Submissions (2):

Ambry Genetics
Classification: Uncertain significance for Hereditary cancer-predisposing syndrome. Last evaluated: 2025-06-24. Review status: criteria provided, single submitter. Criteria: Ambry Variant Classification Scheme 2023. Collection method: clinical testing. Allele origin: germline.
Comment: The p.V778F variant (also known as c.2332G>T), located in coding exon 16 of the PDGFRA gene, results from a G to T substitution at nucleotide position 2332. The valine at codon 778 is replaced by phenylalanine, an amino acid with highly similar properties. This amino acid position is well conserved in available vertebrate species. In addition, this alteration is predicted to be tolerated by in silico analysis. Based on the available evidence, the clinical significance of this variant remains unclear.

Labcorp Genetics (formerly Invitae), Labcorp
Classification: Uncertain significance for Gastrointestinal stromal tumor. Last evaluated: 2025-04-20. Review status: criteria provided, single submitter. Criteria: Invitae Variant Classification Sherloc (09022015). Collection method: clinical testing. Allele origin: germline.
Comment: This sequence change replaces valine, which is neutral and non-polar, with phenylalanine, which is neutral and non-polar, at codon 778 of the PDGFRA protein (p.Val778Phe). This variant is present in population databases (no rsID available, gnomAD 0.01%). This variant has not been reported in the literature in individuals affected with PDGFRA-related conditions. ClinVar contains an entry for this variant (Variation ID: 851442). Invitae Evidence Modeling of protein sequence and biophysical properties (such as structural, functional, and spatial information, amino acid conservation, physicochemical variation, residue mobility, and thermodynamic stability) indicates that this missense variant is not expected to disrupt PDGFRA protein function with a negative predictive value of 80%. In summary, the available evidence is currently insufficient to determine the role of this variant in disease. Therefore, it has been classified as a Variant of Uncertain Significance.